The following is an entry in ClinVar:

ClinVar aggregate classification (germline): Uncertain significance. Review status: criteria provided, multiple submitters, no conflicts (2 of 4 stars). 2 submissions from 2 submitters: Uncertain significance (2). Last evaluated 2026-02-26.

Conditions:
Acute myeloid leukemia (AML). Also called: Acute myeloid leukemia, adult; AML adult; Acute non-lymphocytic leukemia; Acute granulocytic leukemia; Leukemia, acute myeloid, somatic; Leukemia, acute myelogenous, somatic. Identifiers: Orphanet 519, MedGen C0023467, MeSH D015470, MONDO:0018874, OMIM 601626, HP:0004808. Disease mechanism: Constitutively activated FLT3.
Inborn genetic diseases. Identifiers: MedGen C0950123, MeSH D030342.

Submissions (2):

Ambry Genetics
Classification: Uncertain significance for Inborn genetic diseases. Last evaluated: 2026-02-26. Review status: criteria provided, single submitter. Criteria: Ambry Variant Classification Scheme 2023. Collection method: clinical testing. Allele origin: germline.
Comment: The p.P97L variant (also known as c.290C>T), located in coding exon 1 of the CEBPA gene, results from a C to T substitution at nucleotide position 290. The proline at codon 97 is replaced by leucine, an amino acid with similar properties. This amino acid position is conserved. In addition, this alteration is predicted to be tolerated by in silico analysis. Based on the available evidence, the clinical significance of this variant remains unclear.

Labcorp Genetics (formerly Invitae), Labcorp
Classification: Uncertain significance for Acute myeloid leukemia. Last evaluated: 2019-12-19. Review status: criteria provided, single submitter. Criteria: Invitae Variant Classification Sherloc (09022015). Collection method: clinical testing. Allele origin: germline.
Comment: Algorithms developed to predict the effect of missense changes on protein structure and function are either unavailable or do not agree on the potential impact of this missense change (SIFT: "Deleterious"; PolyPhen-2: "Possibly Damaging"; Align-GVGD: "Class C0"). This variant has not been reported in the literature in individuals with CEBPA-related conditions. The frequency data for this variant in the population databases is considered unreliable, as metrics indicate insufficient coverage at this position in the ExAC database. This sequence change replaces proline with leucine at codon 97 of the CEBPA protein (p.Pro97Leu). The proline residue is moderately conserved and there is a moderate physicochemical difference between proline and leucine. In summary, the available evidence is currently insufficient to determine the role of this variant in disease. Therefore, it has been classified as a Variant of Uncertain Significance.

NM_004364.5(CEBPA):c.290C>T (p.Pro97Leu)

Gene: CEBPA (CCAAT enhancer binding protein alpha; minus strand). Cytogenetic location: 19q13.11.
Variant type: single nucleotide variant.
Coding change: c.290C>T on transcript NM_004364.5 (MANE Select); coding-DNA position 290, C replaced by T.
Protein change: p.Pro97Leu; replaces proline 97 with leucine.
Molecular consequence: missense variant. On other transcripts: 5 prime UTR variant (1).
Genome position (GRCh38, 1-based): chr19:33,302,125, G>A on the plus strand (C>T on the coding strand, the complement: CEBPA is on the minus strand). VCF-style: chr19-33302125-G-A. GRCh37 (hg19) VCF-style: chr19-33793031-G-A.
Other names: c.-68C>T (NM_001285829.2); c.395C>T, p.Pro132Leu (NM_001287424.2); c.248C>T, p.Pro83Leu (NM_001287435.2); c.290C>T (NM_004364.3); short protein forms P83L, P132L, P97L.
Identifiers: ClinVar variation 843642 (VCV000843642.11), dbSNP rs1967191484, ClinGen allele CA405275258.